The following is an entry in ClinVar:

ClinVar aggregate classification (germline): Benign (1 of 4 stars; one submission).

Conditions:
Lynch syndrome 4 (LYNCH4). Also called: Colorectal cancer, hereditary nonpolyposis, type 4; Hereditary non-polyposis colorectal cancer, type 4. Identifiers: Orphanet 144, MedGen C1838333, MONDO:0013699, OMIM 614337. Disease mechanism: loss of function.

Submission:

Myriad Genetics, Inc.
Classification: Benign for Lynch syndrome 4. Last evaluated: 2025-02-04. Review status: criteria provided, single submitter. Criteria: Myriad Autosomal Dominant, Autosomal Recessive and X-Linked Classification Criteria (2023). Collection method: clinical testing. Allele origin: unknown.
Comment: This variant is considered benign. This variant occurs in the non-coding 3' untranslated region of the gene, and is not expected to impact protein function.

NM_000535.7(PMS2):c.*5_*7del

Gene: PMS2 (PMS1 homolog 2, mismatch repair system component; minus strand). Cytogenetic location: 7p22.1.
Variant type: Deletion.
Coding change: c.*5_*7del on transcript NM_000535.7 (MANE Select); 5 bases downstream of the stop codon through 7 bases downstream of the stop codon, 3 bases deleted (AGT; older notation c.*5_*7delAGT).
Molecular consequence: 3 prime UTR variant. On other transcripts: non-coding transcript variant (1).
Genome position (GRCh38, 1-based): chr7:5,973,392-5,973,394, ACT deleted on the plus strand (AGT on the coding strand, the reverse complement: PMS2 is on the minus strand); deleting any 3 consecutive bases within chr7:5,973,392-5,973,396 gives the same sequence; the c. name uses the placement nearest the transcript's 3' end. VCF-style (leftmost placement, unchanged base first): chr7-5973391-GACT-G. GRCh37 (hg19) VCF-style: chr7-6013022-GACT-G.
Other names: c.*5_*7del (NM_001322003.2, NM_001322004.2, NM_001322005.2 and 56 more transcripts).
Identifiers: ClinVar variation 3904256 (VCV003904256.1).